The following is an entry in ClinVar:

ClinVar aggregate classification (germline): Uncertain significance. Review status: criteria provided, multiple submitters, no conflicts (2 of 4 stars). 2 submissions from 2 submitters: Uncertain significance (2). Last evaluated 2020-10-16.

Allele frequency attached by ClinVar (database versions not stated): gnomAD 0.00001; TOPMed 0.00001; ExAC 0.00002; gnomAD exomes 0.00002.

Submissions (2):

Revvity Omics, Revvity
Classification: Uncertain significance. Last evaluated: 2020-10-16. Review status: criteria provided, single submitter. Criteria: ACMG Guidelines, 2015. Collection method: clinical testing. Allele origin: germline.

GeneDx
Classification: Uncertain significance. Last evaluated: 2014-01-08. Review status: criteria provided, single submitter. Criteria: GeneDx Variant Classification (06012015). Collection method: clinical testing. Allele origin: germline. Affected: yes.
Comment: Missense variants in the TTN gene are considered 'unclassified' if they are not previously reported in the literature and do not have >1% frequency in the population to be considered a polymorphism. Research indicates that truncating mutations in the TTN gene are expected to account for approximately 25% of familial and 18% of sporadic idiopathic DCM; however, truncating variants in the TTN gene have been reported in approximately 3% of reported control alleles. There has been little investigation into non-truncating variants. (Herman D et al. Truncations of titin causing dilated cardiomyopathy. N Eng J Med 366:619-628, 2012) The variant is found in DCM-CRDM panel(s).

NM_001267550.2(TTN):c.52042A>G (p.Met17348Val)

Genes: TTN (titin; minus strand), TTN-AS1 (TTN antisense RNA 1; plus strand). Cytogenetic location: 2q31.2.
Variant type: single nucleotide variant.
Coding change: c.52042A>G on transcript NM_001267550.2 (MANE Select); coding-DNA position 52042, A replaced by G.
Protein change: p.Met17348Val; replaces methionine 17348 with valine.
Molecular consequence: missense variant.
Genome position (GRCh38, 1-based): chr2:178,609,268, T>C on the plus strand (A>G on the coding strand, the complement: TTN is on the minus strand). VCF-style: chr2-178609268-T-C. GRCh37 (hg19) VCF-style: chr2-179473995-T-C.
Other names: p.M15707V:ATG>GTG; c.47119A>G, p.Met15707Val (NM_001256850.1); c.24847A>G, p.Met8283Val (NM_003319.4); c.44338A>G, p.Met14780Val (NM_133378.4); c.25222A>G, p.Met8408Val (NM_133432.3); c.25423A>G, p.Met8475Val (NM_133437.4); short protein forms M15707V, M17348V, M8475V, M8283V, M14780V, M8408V.
Identifiers: ClinVar variation 202698 (VCV000202698.5), dbSNP rs780570190, ClinGen allele CA310016.